The following is an entry in ClinVar:

ClinVar aggregate classification (germline): Pathogenic (1 of 4 stars; one submission).

Conditions:
Cardiovascular phenotype. Identifiers: MedGen CN230736.

Submission:

Ambry Genetics
Classification: Pathogenic for Cardiovascular phenotype. Last evaluated: 2026-07-21. Review status: criteria provided, single submitter. Criteria: Ambry Variant Classification Scheme 2023. Collection method: clinical testing. Allele origin: germline.
Comment: The p.E476* pathogenic mutation (also known as c.1426G>T), located in coding exon 16 of the MYBPC3 gene, results from a G to T substitution at nucleotide position 1426. This changes the amino acid from a glutamic acid to a stop codon within coding exon 16. This variant was reported in individual(s) referred for hypertrophic cardiomyopathy genetic testing (Janin A et al. Mol Diagn Ther, 2021 May;25:373-385; Ambry internal data). This variant is considered to be rare based on population cohorts in the Genome Aggregation Database (gnomAD). This alteration is expected to result in loss of function by premature protein truncation or nonsense-mediated mRNA decay. As such, this alteration is interpreted as a disease-causing mutation.

Literature cited by the submitters: PubMed 33954932.

NM_000256.3(MYBPC3):c.1426G>T (p.Glu476Ter)

Gene: MYBPC3 (myosin binding protein C3; minus strand). Cytogenetic location: 11p11.2.
Variant type: single nucleotide variant.
Coding change: c.1426G>T on transcript NM_000256.3 (MANE Select); coding-DNA position 1426, G replaced by T.
Protein change: p.Glu476Ter; replaces glutamic acid 476 with a stop codon.
Molecular consequence: nonsense.
Genome position (GRCh38, 1-based): chr11:47,342,861, C>A on the plus strand (G>T on the coding strand, the complement: MYBPC3 is on the minus strand). VCF-style: chr11-47342861-C-A. GRCh37 (hg19) VCF-style: chr11-47364412-C-A.
Other names: short protein forms E476*.
Identifiers: ClinVar variation 5025022 (VCV005025022.1).